The following is an entry in ClinVar:

NM_018896.5(CACNA1G):c.1889G>A (p.Ser630Asn)

Gene: CACNA1G (calcium voltage-gated channel subunit alpha1 G; plus strand). Cytogenetic location: 17q21.33.
Variant type: single nucleotide variant.
Coding change: c.1889G>A on transcript NM_018896.5 (MANE Select); coding-DNA position 1889, G replaced by A.
Protein change: p.Ser630Asn; replaces serine 630 with asparagine.
Molecular consequence: missense variant. On other transcripts: non-coding transcript variant (5).
Genome position (GRCh38, 1-based): chr17:50,576,291, G>A. VCF-style: chr17-50576291-G-A. GRCh37 (hg19) VCF-style: chr17-48653652-G-A.
Other names: c.1889G>A, p.Ser630Asn (NM_001256331.2, NM_001256332.2, NM_001256333.2 and 24 more transcripts); short protein forms S630N.
Identifiers: ClinVar variation 2759825 (VCV002759825.3), dbSNP rs2040626860, ClinGen allele CA400240206.

ClinVar aggregate classification (germline): Uncertain significance (1 of 4 stars; one submission).

Submission:

Labcorp Genetics (formerly Invitae), Labcorp
Classification: Uncertain significance. Last evaluated: 2023-09-10. Review status: criteria provided, single submitter. Criteria: Invitae Variant Classification Sherloc (09022015). Collection method: clinical testing. Allele origin: germline.
Comment: In summary, the available evidence is currently insufficient to determine the role of this variant in disease. Therefore, it has been classified as a Variant of Uncertain Significance. Advanced modeling of protein sequence and biophysical properties (such as structural, functional, and spatial information, amino acid conservation, physicochemical variation, residue mobility, and thermodynamic stability) performed at Invitae indicates that this missense variant is not expected to disrupt CACNA1G protein function. This variant has not been reported in the literature in individuals affected with CACNA1G-related conditions. This variant is not present in population databases (gnomAD no frequency). This sequence change replaces serine, which is neutral and polar, with asparagine, which is neutral and polar, at codon 630 of the CACNA1G protein (p.Ser630Asn).